The following is an entry in ClinVar:

NM_016356.5(DCDC2):c.840AGA[1] (p.Glu281del)

Gene: DCDC2 (doublecortin domain containing 2; minus strand). Cytogenetic location: 6p22.3.
Variant type: Microsatellite.
Coding change: c.840AGA[1] on transcript NM_016356.5 (MANE Select); one copy of the 3-base unit AGA starting at c.840; the reference has two copies in a row; one copy, 3 bases deleted; also written c.843_845del.
Protein change: p.Glu281del; deletes glutamic acid 281.
Molecular consequence: inframe deletion.
Genome position (GRCh38, 1-based): chr6:24,278,126-24,278,128, TCT deleted on the plus strand (AGA on the coding strand, the reverse complement: DCDC2 is on the minus strand); deleting any 3 consecutive bases within chr6:24,278,126-24,278,132 gives the same sequence; the position shown is the placement nearest the transcript's 3' end. VCF-style (leftmost placement, unchanged base first): chr6-24278125-GTCT-G. GRCh37 (hg19) VCF-style: chr6-24278353-GTCT-G.
Other names: c.840AGA[1], p.Glu281del (NM_001195610.2); c.843_845del (NM_016356.5); short protein forms E281del.
Identifiers: ClinVar variation 1338443 (VCV001338443.12), dbSNP rs760375899, ClinGen allele CA3654628.

ClinVar aggregate classification (germline): Uncertain significance. Review status: criteria provided, multiple submitters, no conflicts (2 of 4 stars). 5 submissions from 5 submitters: Uncertain significance (5). Last evaluated 2024-09-30.

Conditions:
Isolated neonatal sclerosing cholangitis (NSC). Also called: Sclerosing cholangitis, neonatal. Identifiers: Orphanet 480556, MedGen C4479344, MONDO:0018816, OMIM 617394.
Autosomal recessive nonsyndromic hearing loss 66 (DFNB66). Also called: Deafness, autosomal recessive 66. Identifiers: Orphanet 90636, MedGen C1857750, MONDO:0012442, OMIM 610212.
Nephronophthisis 19 (NPHP19). Identifiers: Orphanet 84081, MedGen C4015542, MONDO:0014537, OMIM 616217.

Submissions (5):

Blueprint Genetics
Classification: Uncertain significance. Last evaluated: 2024-09-30. Review status: criteria provided, single submitter. Criteria: ACMG Guidelines, 2015. Collection method: clinical testing. Allele origin: germline.

GeneDx
Classification: Uncertain significance. Last evaluated: 2024-07-10. Review status: criteria provided, single submitter. Criteria: GeneDx Variant Classification Process June 2021. Collection method: clinical testing. Allele origin: germline. Affected: yes.
Comment: In silico analysis indicates that this variant does not alter protein structure/function; Has not been previously published as pathogenic or benign to our knowledge; In-frame deletion of one amino acid in a non-repeat region

Fulgent Genetics
Classification: Uncertain significance for Autosomal recessive nonsyndromic hearing loss 66; Nephronophthisis 19; Isolated neonatal sclerosing cholangitis. Last evaluated: 2024-05-09. Review status: criteria provided, single submitter. Criteria: ACMG Guidelines, 2015. Collection method: clinical testing. Allele origin: germline.

Labcorp Genetics (formerly Invitae), Labcorp
Classification: Uncertain significance for Autosomal recessive nonsyndromic hearing loss 66; Isolated neonatal sclerosing cholangitis. Last evaluated: 2022-03-10. Review status: criteria provided, single submitter. Criteria: Invitae Variant Classification Sherloc (09022015). Collection method: clinical testing. Allele origin: germline.
Comment: This variant, c.843_845del, results in the deletion of 1 amino acid(s) of the DCDC2 protein (p.Glu281del), but otherwise preserves the integrity of the reading frame. This variant is present in population databases (rs760375899, gnomAD 0.04%). This variant has not been reported in the literature in individuals affected with DCDC2-related conditions. Experimental studies and prediction algorithms are not available or were not evaluated, and the functional significance of this variant is currently unknown. In summary, the available evidence is currently insufficient to determine the role of this variant in disease. Therefore, it has been classified as a Variant of Uncertain Significance.

Genetic Services Laboratory, University of Chicago
Classification: Uncertain significance. Last evaluated: 2018-09-17. Review status: criteria provided, single submitter. Criteria: ACMG Guidelines, 2015. Collection method: clinical testing. Allele origin: germline. Affected: no.